The following is an entry in ClinVar:

ClinVar aggregate classification (germline): Likely benign (1 of 4 stars; one submission).

Conditions:
Isolated focal non-epidermolytic palmoplantar keratoderma. Also called: Palmoplantar keratoderma, nonepidermolytic, focal 2. Identifiers: Orphanet 448264, MedGen C4225339, MONDO:0014622, OMIM 616400.

Allele frequency attached by ClinVar (database versions not stated): TOPMed 0.00154; 1000 Genomes Project 0.00040; 1000 Genomes Project 30x 0.00031; gnomAD 0.00141 and 0.00148.

Submission:

Illumina Laboratory Services, Illumina
Classification: Likely benign for Isolated focal non-epidermolytic palmoplantar keratoderma. Last evaluated: 2017-04-27. Review status: criteria provided, single submitter. Criteria: ICSL Variant Classification Criteria 13 December 2019. Collection method: clinical testing. Allele origin: germline.
Comment: This variant was observed as part of a predisposition screen in an ostensibly healthy population. A literature search was performed for the gene, cDNA change, and amino acid change (where applicable). No publications were found based on this search. Allele frequency data from public databases allowed determination this variant is unlikely to cause disease. Therefore, this variant is classified as likely benign.

NM_145068.4(TRPV3):c.*1100T>A

Genes: SPATA22 (spermatogenesis associated 22; minus strand), TRPV3 (transient receptor potential cation channel subfamily V member 3; minus strand). Cytogenetic location: 17p13.2.
Variant type: single nucleotide variant.
Coding change: c.*1100T>A on transcript NM_145068.4 (MANE Select); 1100 bases downstream of the stop codon, T replaced by A.
Molecular consequence: 3 prime UTR variant. On other transcripts: intron variant (2).
Genome position (GRCh38, 1-based): chr17:3,512,817, A>T on the plus strand (T>A on the coding strand, the complement: TRPV3 is on the minus strand). VCF-style: chr17-3512817-A-T. GRCh37 (hg19) VCF-style: chr17-3416111-A-T.
Other names: c.*1100T>A (NM_001258205.2); c.-74+595T>A (NM_001321336.2, NM_001321337.2).
Identifiers: ClinVar variation 322726 (VCV000322726.7), dbSNP rs558730764, ClinGen allele CA10649041.